The following is an entry in ClinVar:

ClinVar aggregate classification (germline): Pathogenic. Review status: criteria provided, multiple submitters, no conflicts (2 of 4 stars). 3 submissions from 3 submitters: Pathogenic (2). 1 of the submissions does not count toward it. Last evaluated 2025-08-14.

Conditions:
Cystic fibrosis (CF). Also called: MUCOVISCIDOSIS. Identifiers: Orphanet 586, MedGen C0010674, MONDO:0009061, OMIM 219700. Disease mechanism: loss of function.

Submissions (3):

Labcorp Genetics (formerly Invitae), Labcorp
Classification: Pathogenic for Cystic fibrosis. Last evaluated: 2025-08-14. Review status: criteria provided, single submitter. Criteria: Invitae Variant Classification Sherloc (09022015). Collection method: clinical testing. Allele origin: germline.
Comment: This sequence change creates a premature translational stop signal (p.Asn659Ilefs*4) in the CFTR gene. It is expected to result in an absent or disrupted protein product. Loss-of-function variants in CFTR are known to be pathogenic (PMID: 1695717, 7691345, 9725922). This variant is not present in population databases (gnomAD no frequency). This premature translational stop signal has been observed in individual(s) with cystic fibrosis (PMID: 15300780). This variant is also known as 2108delA. ClinVar contains an entry for this variant (Variation ID: 53418). For these reasons, this variant has been classified as Pathogenic.

Ambry Genetics
Classification: Pathogenic for Cystic fibrosis. Last evaluated: 2017-07-19. Review status: criteria provided, single submitter. Criteria: Ambry Variant Classification Scheme 2023. Collection method: clinical testing. Allele origin: germline.
Comment: The c.1976delA pathogenic mutation (also known as 2108delA), located in coding exon 14 of the CFTR gene, results from a deletion of one nucleotide at nucleotide position 1976, causing a translational frameshift with a predicted alternate stop codon (p.N659Ifs*4). An in vitro functional study suggested that this mutation may interrupt the correct splicing of the exon due to disruption of a predicted ESE sequence (Aznarez I et al. Hum. Mol. Genet., 2003 Aug;12:2031-40). In addition to the clinical data presented in the literature, this alteration is expected to result in loss of function by premature protein truncation or nonsense-mediated mRNA decay. As such, this alteration is interpreted as a disease-causing mutation.

ClinVar Staff, National Center for Biotechnology Information (NCBI)
No classification provided. Condition: CFTR-related disorders. Review status: no classification provided. Collection method: literature only. Allele origin: germline. Affected: yes. Not counted in ClinVar's aggregate classification.

Literature cited by the submitters: PubMed 1695717 (cited by Labcorp Genetics (formerly Invitae), Labcorp); PubMed 7691345 (cited by Labcorp Genetics (formerly Invitae), Labcorp); PubMed 9725922 (cited by Labcorp Genetics (formerly Invitae), Labcorp); PubMed 15300780 (cited by Labcorp Genetics (formerly Invitae), Labcorp); PubMed 11668613 (cited by Ambry Genetics); PubMed 12913074 (cited by Ambry Genetics and ClinVar Staff, National Center for Biotechnology Information (NCBI)).

NM_000492.4(CFTR):c.1976del (p.Asn659fs)

Gene: CFTR (CF transmembrane conductance regulator; plus strand). Cytogenetic location: 7q31.2.
Variant type: Deletion.
Coding change: c.1976del on transcript NM_000492.4 (MANE Select); coding-DNA position 1976, one base deleted (A; older notation c.1976delA).
Protein change: p.Asn659fs; shifts the reading frame from asparagine 659.
Molecular consequence: frameshift variant.
Genome position (GRCh38, 1-based): chr7:117,592,143, A deleted; the last of 3 consecutive A bases (chr7:117,592,141-117,592,143); deleting any one gives the same sequence. VCF-style (leftmost placement, unchanged base first): chr7-117592140-GA-G. GRCh37 (hg19) VCF-style: chr7-117232194-GA-G.
Other names: c.1976delA (NM_000492.3); short protein forms N659fs.
Identifiers: ClinVar variation 53418 (VCV000053418.6), dbSNP rs121908809, ClinGen allele CA326722.